The following is an entry in ClinVar:

ClinVar aggregate classification (germline): Likely benign (1 of 4 stars; one submission).

Submission:

GeneDx
Classification: Likely benign. Last evaluated: 2017-10-12. Review status: criteria provided, single submitter. Criteria: GeneDx Variant Classification (06012015). Collection method: clinical testing. Allele origin: germline. Affected: yes.
Comment: This variant is considered likely benign or benign based on one or more of the following criteria: it is a conservative change, it occurs at a poorly conserved position in the protein, it is predicted to be benign by multiple in silico algorithms, and/or has population frequency not consistent with disease.

NM_001286445.3(RIPOR2):c.1767G>C (p.Gly589=)

Gene: RIPOR2 (RHO family interacting cell polarization regulator 2; minus strand). Cytogenetic location: 6p22.3.
Variant type: single nucleotide variant.
Coding change: c.1767G>C on transcript NM_001286445.3 (MANE Select); coding-DNA position 1767, G replaced by C.
Protein change: p.Gly589=; no amino-acid change (glycine 589 retained).
Molecular consequence: synonymous variant.
Genome position (GRCh38, 1-based): chr6:24,842,952, C>G on the plus strand (G>C on the coding strand, the complement: RIPOR2 is on the minus strand). VCF-style: chr6-24842952-C-G. GRCh37 (hg19) VCF-style: chr6-24843180-C-G.
Other names: c.1782G>C, p.Gly594= (NM_001286446.3); c.1680G>C, p.Gly560= (NM_001286447.2, NM_001346031.2, NM_001346032.2 and 1 more transcripts); c.1830G>C, p.Gly610= (NM_014722.5).
Identifiers: ClinVar variation 512249 (VCV000512249.1), dbSNP rs1554206207, ClinGen allele CA449167915.